The following is an entry in ClinVar:

NM_000336.3(SCNN1B):c.1738G>T (p.Glu580Ter)

Gene: SCNN1B (sodium channel epithelial 1 subunit beta; plus strand). Cytogenetic location: 16p12.2.
Variant type: single nucleotide variant.
Coding change: c.1738G>T on transcript NM_000336.3 (MANE Select); coding-DNA position 1738, G replaced by T.
Protein change: p.Glu580Ter; replaces glutamic acid 580 with a stop codon.
Molecular consequence: nonsense.
Genome position (GRCh38, 1-based): chr16:23,380,616, G>T. VCF-style: chr16-23380616-G-T. GRCh37 (hg19) VCF-style: chr16-23391937-G-T.
Other names: short protein forms E580*.
Identifiers: ClinVar variation 451424 (VCV000451424.2), dbSNP rs80311498, ClinGen allele CA395113721.

ClinVar aggregate classification (germline): Likely pathogenic (1 of 4 stars; one submission).

Submission:

GeneDx
Classification: Likely pathogenic. Last evaluated: 2017-08-22. Review status: criteria provided, single submitter. Criteria: GeneDx Variant Classification (06012015). Collection method: clinical testing. Allele origin: germline. Affected: yes.
Comment: The E580X variant in the SCNN1B gene has not been reported previously as a pathogenic variant nor as a benign variant, to our knowledge. This variant is predicted to cause loss of normal protein function through protein truncation with the loss of the final 61 amino acids. The E580X variant is not observed in large population cohorts (Lek et al., 2016; 1000 Genomes Consortium et al., 2015; Exome Variant Server). We interpret E580X as a likely pathogenic variant.